The following is an entry in ClinVar:

NM_018713.3(SLC30A10):c.*1188T>C

Gene: SLC30A10 (solute carrier family 30 member 10; minus strand). Cytogenetic location: 1q41.
Variant type: single nucleotide variant.
Coding change: c.*1188T>C on transcript NM_018713.3 (MANE Select); 1188 bases downstream of the stop codon, T replaced by C.
Molecular consequence: 3 prime UTR variant. On other transcripts: non-coding transcript variant (2).
Genome position (GRCh38, 1-based): chr1:219,914,261, A>G on the plus strand (T>C on the coding strand, the complement: SLC30A10 is on the minus strand). VCF-style: chr1-219914261-A-G. GRCh37 (hg19) VCF-style: chr1-220087603-A-G.
Other names: c.*1188T>C (NM_001376929.1).
Identifiers: ClinVar variation 876765 (VCV000876765.4), dbSNP rs535541750, ClinGen allele CA37948110.

ClinVar aggregate classification (germline): Likely benign (1 of 4 stars; one submission).

Conditions:
Hypermanganesemia with dystonia, polycythemia, and cirrhosis (HMNDYT1). Also called: Hepatic Cirrhosis, Dystonia, Polycythemia and Hypermanganesemia; Cirrhosis - dystonia - polycythemia - hypermanganesemia syndrome; Hypermanganesemia with Dystonia 1. Identifiers: Orphanet 309854, MedGen C2750442, MONDO:0013208, OMIM 613280.

Allele frequency attached by ClinVar (database versions not stated): gnomAD 0.00001 and 0.00006; TOPMed 0.00002; 1000 Genomes Project 0.00060; 1000 Genomes Project 30x 0.00094.
gnomAD v4.1: 9 of 152,312 alleles (0.0059%); highest among the groups gnomAD compares: East Asian, 0.17%; no homozygotes.

Submission:

Illumina Laboratory Services, Illumina
Classification: Likely benign for Hypermanganesemia with dystonia, polycythemia, and cirrhosis. Last evaluated: 2018-01-13. Review status: criteria provided, single submitter. Criteria: ICSL Variant Classification Criteria 13 December 2019. Collection method: clinical testing. Allele origin: germline.
Comment: This variant was observed in the ICSL laboratory as part of a predisposition screen in an ostensibly healthy population. It had not been previously curated by ICSL or reported in the Human Gene Mutation Database (HGMD: prior to June 1st, 2018), and was therefore a candidate for classification through an automated scoring system. Utilizing variant allele frequency, disease prevalence and penetrance estimates, and inheritance mode, an automated score was calculated to assess if this variant is too frequent to cause the disease. Based on the score and internal cut-off values, a variant classified as likely benign is not then subjected to further curation. The score for this variant resulted in a classification of likely benign for this disease.